The following is an entry in ClinVar:

ClinVar aggregate classification (germline): Uncertain significance (1 of 4 stars; one submission).

Conditions:
Neurofibromatosis, type 2 (SWNV). Also called: BILATERAL ACOUSTIC NEUROFIBROMATOSIS; NF2-Related Schwannomatosis; SCHWANNOMATOSIS, VESTIBULAR. Identifiers: Orphanet 637, MedGen C0027832, MONDO:0007039, OMIM 101000. Disease mechanism: loss of function.

Submission:

Labcorp Genetics (formerly Invitae), Labcorp
Classification: Uncertain significance for Neurofibromatosis, type 2. Last evaluated: 2025-04-11. Review status: criteria provided, single submitter. Criteria: Invitae Variant Classification Sherloc (09022015). Collection method: clinical testing. Allele origin: germline.
Comment: This sequence change replaces glutamine, which is neutral and polar, with glutamic acid, which is acidic and polar, at codon 583 of the NF2 protein (p.Gln583Glu). This variant is not present in population databases (gnomAD no frequency). This variant has not been reported in the literature in individuals affected with NF2-related conditions. Invitae Evidence Modeling of protein sequence and biophysical properties (such as structural, functional, and spatial information, amino acid conservation, physicochemical variation, residue mobility, and thermodynamic stability) indicates that this missense variant is not expected to disrupt NF2 protein function with a negative predictive value of 80%. In summary, the available evidence is currently insufficient to determine the role of this variant in disease. Therefore, it has been classified as a Variant of Uncertain Significance.

NM_000268.4(NF2):c.1747C>G (p.Gln583Glu)

Gene: NF2 (NF2, moesin-ezrin-radixin like (MERLIN) tumor suppressor; plus strand). Cytogenetic location: 22q12.2.
Variant type: single nucleotide variant.
Coding change: c.1747C>G on transcript NM_000268.4 (MANE Select); coding-DNA position 1747, C replaced by G.
Protein change: p.Gln583Glu; replaces glutamine 583 with glutamic acid.
Molecular consequence: missense variant. On other transcripts: 3 prime UTR variant (11), non-coding transcript variant (1).
Genome position (GRCh38, 1-based): chr22:29,694,761, C>G. VCF-style: chr22-29694761-C-G. GRCh37 (hg19) VCF-style: chr22-30090750-C-G.
Other names: c.1633C>G, p.Gln545Glu (NM_001407053.1); c.1624C>G, p.Gln542Glu (NM_001407054.1); c.1621C>G, p.Gln541Glu (NM_001407055.1); c.*19C>G (NM_001407056.1, NM_001407059.1, NM_001407065.1 and 5 more transcripts); c.1612C>G, p.Gln538Glu (NM_001407057.1); c.457C>G, p.Gln153Glu (NM_181833.3); c.*34C>G (NM_001407058.1, NM_001407063.1, NM_181832.3); c.1584C>G, p.Cys528Trp (NM_001407060.1); and 2 more; short protein forms C445W, C528W, Q153E, Q497E, Q538E, Q541E, Q542E, Q545E.
Identifiers: ClinVar variation 4809579 (VCV004809579.1).